The following is an entry in ClinVar:

NM_018297.4(NGLY1):c.629A>C (p.Lys210Thr)

Gene: NGLY1 (N-glycanase 1; minus strand). Cytogenetic location: 3p24.2.
Variant type: single nucleotide variant.
Coding change: c.629A>C on transcript NM_018297.4 (MANE Select); coding-DNA position 629, A replaced by C.
Protein change: p.Lys210Thr; replaces lysine 210 with threonine.
Molecular consequence: missense variant.
Genome position (GRCh38, 1-based): chr3:25,751,127, T>G on the plus strand (A>C on the coding strand, the complement: NGLY1 is on the minus strand). VCF-style: chr3-25751127-T-G. GRCh37 (hg19) VCF-style: chr3-25792618-T-G.
Other names: c.629A>C, p.Lys210Thr (NM_001145293.2, NM_001145295.2); c.503A>C, p.Lys168Thr (NM_001145294.2); short protein forms K168T, K210T.
Identifiers: ClinVar variation 474229 (VCV000474229.8), dbSNP rs1553657104, ClinGen allele CA351905822.

ClinVar aggregate classification (germline): Uncertain significance (1 of 4 stars; one submission).

Conditions:
Congenital disorder of deglycosylation (CDDG). Identifiers: MedGen C3808991, MONDO:0031376.

Submission:

Labcorp Genetics (formerly Invitae), Labcorp
Classification: Uncertain significance for Congenital disorder of deglycosylation. Last evaluated: 2024-05-29. Review status: criteria provided, single submitter. Criteria: Invitae Variant Classification Sherloc (09022015). Collection method: clinical testing. Allele origin: germline.
Comment: This sequence change replaces lysine, which is basic and polar, with threonine, which is neutral and polar, at codon 210 of the NGLY1 protein (p.Lys210Thr). This variant is not present in population databases (gnomAD no frequency). This variant has not been reported in the literature in individuals affected with NGLY1-related conditions. ClinVar contains an entry for this variant (Variation ID: 474229). Advanced modeling of protein sequence and biophysical properties (such as structural, functional, and spatial information, amino acid conservation, physicochemical variation, residue mobility, and thermodynamic stability) performed at Invitae indicates that this missense variant is not expected to disrupt NGLY1 protein function with a negative predictive value of 80%. In summary, the available evidence is currently insufficient to determine the role of this variant in disease. Therefore, it has been classified as a Variant of Uncertain Significance.